The following is an entry in ClinVar:

ClinVar aggregate classification (germline): Uncertain significance (1 of 4 stars; one submission).

Submission:

Ambry Genetics
Classification: Uncertain significance. Last evaluated: 2026-03-26. Review status: criteria provided, single submitter. Criteria: Ambry Variant Classification Scheme 2023. Collection method: clinical testing. Allele origin: germline.
Comment: The p.V237L variant (also known as c.709G>C), located in coding exon 3 of the GFI1 gene, results from a G to C substitution at nucleotide position 709. The valine at codon 237 is replaced by leucine, an amino acid with highly similar properties. This amino acid position is conserved. In addition, this alteration is predicted to be tolerated by in silico analysis. Based on the available evidence, the clinical significance of this variant remains unclear.

NM_005263.5(GFI1):c.709G>C (p.Val237Leu)

Gene: GFI1 (growth factor independent 1 transcriptional repressor; minus strand). Cytogenetic location: 1p22.1.
Variant type: single nucleotide variant.
Coding change: c.709G>C on transcript NM_005263.5 (MANE Select); coding-DNA position 709, G replaced by C.
Protein change: p.Val237Leu; replaces valine 237 with leucine.
Molecular consequence: missense variant.
Genome position (GRCh38, 1-based): chr1:92,480,678, C>G on the plus strand (G>C on the coding strand, the complement: GFI1 is on the minus strand). VCF-style: chr1-92480678-C-G. GRCh37 (hg19) VCF-style: chr1-92946235-C-G.
Other names: c.709G>C, p.Val237Leu (NM_001127215.3, NM_001127216.3); short protein forms V237L.
Identifiers: ClinVar variation 4858022 (VCV004858022.1).